The following is an entry in ClinVar:

NM_001101.5(ACTB):c.173C>T (p.Ala58Val)

Gene: ACTB (actin beta; minus strand). Cytogenetic location: 7p22.1.
Variant type: single nucleotide variant.
Coding change: c.173C>T on transcript NM_001101.5 (MANE Select); coding-DNA position 173, C replaced by T.
Protein change: p.Ala58Val; replaces alanine 58 with valine.
Molecular consequence: missense variant.
Genome position (GRCh38, 1-based): chr7:5,529,351, G>A on the plus strand (C>T on the coding strand, the complement: ACTB is on the minus strand). VCF-style: chr7-5529351-G-A. GRCh37 (hg19) VCF-style: chr7-5568982-G-A.
Other names: short protein forms A58V.
Identifiers: ClinVar variation 973113 (VCV000973113.5), dbSNP rs1784832575, ClinGen allele CA366706141.

ClinVar aggregate classification (germline): Uncertain significance. Review status: criteria provided, multiple submitters, no conflicts (2 of 4 stars). 3 submissions from 3 submitters: Uncertain significance (2). 1 of the submissions does not count toward it. Last evaluated 2026-07-17.

Conditions:
Inborn genetic diseases. Identifiers: MedGen C0950123, MeSH D030342.
Intellectual disability. Also called: intellectual disabilities; Intellectual functioning disability; Intellectual developmental disorder. Identifiers: MedGen C3714756, MeSH D008607, MONDO:0001071, HP:0001249.
Baraitser-Winter syndrome 1 (BRWS1). Also called: BARAITSER-WINTER SYNDROME 1, ATYPICAL; PACHYGYRIA, MENTAL RETARDATION, EPILEPSY, AND CHARACTERISTIC FACIES; MENTAL RETARDATION WITH EPILEPSY AND CHARACTERISTIC FACIES; Cerebrofrontofacial syndrome. Identifiers: Orphanet 2649, Orphanet 2995, MedGen C1855722, MONDO:0009470, OMIM 243310.

Submissions (3):

Ambry Genetics
Classification: Uncertain significance for Inborn genetic diseases. Last evaluated: 2026-07-17. Review status: criteria provided, single submitter. Criteria: Ambry Variant Classification Scheme 2023. Collection method: clinical testing. Allele origin: germline.
Comment: The c.173C>T (p.A58V) alteration is located in exon 3 (coding exon 2) of the ACTB gene. This alteration results from a C to T substitution at nucleotide position 173, causing the alanine (A) at amino acid position 58 to be replaced by a valine (V). This variant was not reported in population-based cohorts in the Genome Aggregation Database (gnomAD). This amino acid position is highly conserved in available vertebrate species. The in silico prediction for this alteration is inconclusive. Based on insufficient or conflicting evidence, the clinical significance of this alteration remains unclear.

Labcorp Genetics (formerly Invitae), Labcorp
Classification: Uncertain significance for Baraitser-Winter syndrome 1. Last evaluated: 2024-08-31. Review status: criteria provided, single submitter. Criteria: Invitae Variant Classification Sherloc (09022015). Collection method: clinical testing. Allele origin: germline.
Comment: This sequence change replaces alanine, which is neutral and non-polar, with valine, which is neutral and non-polar, at codon 58 of the ACTB protein (p.Ala58Val). This variant is not present in population databases (gnomAD no frequency). This variant has not been reported in the literature in individuals affected with ACTB-related conditions. ClinVar contains an entry for this variant (Variation ID: 973113). Invitae Evidence Modeling of protein sequence and biophysical properties (such as structural, functional, and spatial information, amino acid conservation, physicochemical variation, residue mobility, and thermodynamic stability) indicates that this missense variant is not expected to disrupt ACTB protein function with a negative predictive value of 80%. In summary, the available evidence is currently insufficient to determine the role of this variant in disease. Therefore, it has been classified as a Variant of Uncertain Significance.

Diagnostic Laboratory, Strasbourg University Hospital
Classification: Likely pathogenic for Intellectual disability. Last evaluated: 2017-12-01. Review status: no assertion criteria provided. Collection method: clinical testing. Allele origin: de novo. Affected: yes. Observed: 1 heterozygote. Not counted in ClinVar's aggregate classification.